The following is an entry in ClinVar:

ClinVar aggregate classification (germline): Likely pathogenic (1 of 4 stars; one submission).

Conditions:
Familial dysautonomia. Also called: HSAN III; FD. Identifiers: Orphanet 1764, MedGen C0013364, MONDO:0009131, OMIM 223900. Disease mechanism: loss of function.

Submission:

Myriad Genetics, Inc.
Classification: Likely pathogenic for Familial dysautonomia. Last evaluated: 2022-01-02. Review status: criteria provided, single submitter. Criteria: Myriad Women's Health Autosomal Recessive and X-Linked Classification Criteria (2021). Collection method: clinical testing. Allele origin: unknown.
Comment: NM_003640.3(ELP1):c.3316_3317ins8(E1106Afs*7) is expected to be pathogenic in the context of familial dysautonomia. This variant is predicted to lead to an abnormal or absent protein product due to the creation of a premature termination codon in ELP1, a gene where loss-of-function variants are known to be pathogenic. Please note: this variant was assessed in the context of healthy population screening.

NM_003640.5(ELP1):c.3316_3317insCACGACGA (p.Glu1106fs)

Gene: ELP1 (elongator acetyltransferase complex subunit 1; minus strand). Cytogenetic location: 9q31.3.
Variant type: Insertion.
Coding change: c.3316_3317insCACGACGA on transcript NM_003640.5 (MANE Select); coding-DNA positions 3316 to 3317, CACGACGA inserted.
Protein change: p.Glu1106fs; shifts the reading frame from glutamic acid 1106.
Molecular consequence: frameshift variant.
Genome position: GRCh38 VCF-style: chr9-108881734-T-TTCGTCGTG. GRCh37 (hg19) VCF-style: chr9-111644014-T-TTCGTCGTG.
Other names: c.2974_2975insCACGACGA, p.Glu992fs (NM_001318360.2); c.2269_2270insCACGACGA, p.Glu757fs (NM_001330749.2); short protein forms E1106fs, E757fs, E992fs.
Identifiers: ClinVar variation 1726799 (VCV001726799.2), dbSNP rs2537862322, ClinGen allele CA2580079404.